The following is an entry in ClinVar:

NM_020433.5(JPH2):c.1289-89A>C

Gene: JPH2 (junctophilin 2; minus strand). Cytogenetic location: 20q13.12.
Variant type: single nucleotide variant.
Coding change: c.1289-89A>C on transcript NM_020433.5 (MANE Select); 89 bases into the intron before coding-DNA position 1289, A replaced by C.
Molecular consequence: intron variant.
Genome position (GRCh38, 1-based): chr20:44,116,475, T>G on the plus strand (A>C on the coding strand, the complement: JPH2 is on the minus strand). VCF-style: chr20-44116475-T-G. GRCh37 (hg19) VCF-style: chr20-42745115-T-G.
Identifiers: ClinVar variation 671114 (VCV000671114.2), dbSNP rs6073336, ClinGen allele CA14775442.

ClinVar aggregate classification (germline): Benign. Review status: criteria provided, multiple submitters, no conflicts (2 of 4 stars). 2 submissions from 2 submitters: Benign (2). Last evaluated 2018-06-14.

Allele frequency attached by ClinVar (database versions not stated): gnomAD exomes 0.50741; gnomAD 0.51040 and 0.51053; TOPMed 0.51171; 1000 Genomes Project 30x 0.51952; 1000 Genomes Project 0.52276.
gnomAD v4.1: 744,936 of 1,467,582 alleles (51%); highest among the groups gnomAD compares: East Asian, 54%; 188,982 homozygotes.

Submissions (2):

GeneDx
Classification: Benign. Last evaluated: 2018-06-14. Review status: criteria provided, single submitter. Criteria: GeneDx Variant Classification (06012015). Collection method: clinical testing. Allele origin: germline. Affected: yes.
Comment: This variant is considered likely benign or benign based on one or more of the following criteria: it is a conservative change, it occurs at a poorly conserved position in the protein, it is predicted to be benign by multiple in silico algorithms, and/or has population frequency not consistent with disease.

Breakthrough Genomics
Classification: Benign. Review status: criteria provided, single submitter. Criteria: ACMG Guidelines, 2015. Collection method: not provided. Allele origin: germline. Inheritance: Autosomal recessive inheritance. Affected: yes.